The following is an entry in ClinVar:

ClinVar aggregate classification (germline): Uncertain significance (1 of 4 stars; one submission).

Conditions:
Neurodevelopmental disorder with or without hyperkinetic movements and seizures, autosomal dominant. Also called: Intellectual disability, autosomal dominant 8. Identifiers: MedGen C3280282, MONDO:0013655, OMIM 614254.

gnomAD v4.1: 1 of 1,612,640 alleles (0.000062%); highest among the groups gnomAD compares: Non-Finnish European, 0.000085%; no homozygotes.

Submission:

Labcorp Genetics (formerly Invitae), Labcorp
Classification: Uncertain significance for Neurodevelopmental disorder with or without hyperkinetic movements and seizures, autosomal dominant. Last evaluated: 2024-04-20. Review status: criteria provided, single submitter. Criteria: Invitae Variant Classification Sherloc (09022015). Collection method: clinical testing. Allele origin: germline.
Comment: This sequence change replaces glycine, which is neutral and non-polar, with serine, which is neutral and polar, at codon 457 of the GRIN1 protein (p.Gly457Ser). The frequency data for this variant in the population databases is considered unreliable, as metrics indicate poor data quality at this position in the gnomAD database. This variant has not been reported in the literature in individuals affected with GRIN1-related conditions. Advanced modeling of protein sequence and biophysical properties (such as structural, functional, and spatial information, amino acid conservation, physicochemical variation, residue mobility, and thermodynamic stability) has been performed at Invitae for this missense variant, however the output from this modeling did not meet the statistical confidence thresholds required to predict the impact of this variant on GRIN1 protein function. In summary, the available evidence is currently insufficient to determine the role of this variant in disease. Therefore, it has been classified as a Variant of Uncertain Significance.

NM_007327.4(GRIN1):c.1369G>A (p.Gly457Ser)

Gene: GRIN1 (glutamate ionotropic receptor NMDA type subunit 1; plus strand). Cytogenetic location: 9q34.3.
Variant type: single nucleotide variant.
Coding change: c.1369G>A on transcript NM_007327.4 (MANE Select); coding-DNA position 1369, G replaced by A.
Protein change: p.Gly457Ser; replaces glycine 457 with serine.
Molecular consequence: missense variant.
Genome position (GRCh38, 1-based): chr9:137,161,318, G>A. VCF-style: chr9-137161318-G-A. GRCh37 (hg19) VCF-style: chr9-140055770-G-A.
Other names: c.1369G>A, p.Gly457Ser (NM_000832.7, NM_021569.4); c.1432G>A, p.Gly478Ser (NM_001185090.2, NM_001185091.2); short protein forms G478S, G457S.
Identifiers: ClinVar variation 3650453 (VCV003650453.2).
Genomic context (GRCh38, chr9:137,161,318, plus strand): 5'-AGCCCAGCAGTTACCGCCCGCACCTACCCAGCCCGCCACACGGTGCCTCAGTGTTGCTAC[G>A]GCTTTTGCATCGACCTGCTCATCAAGCTGGCACGGACCATGAACTTCACCTACGAGGTGC-3'
Protein context (NP_015566.1, residues 447-467): PRHTVPQCCY[Gly457Ser]FCIDLLIKLA